The following is an entry in ClinVar:

ClinVar aggregate classification (germline): Uncertain significance. Review status: criteria provided, multiple submitters, no conflicts (2 of 4 stars). 5 submissions from 5 submitters: Uncertain significance (5). Last evaluated 2025-12-15.

Conditions:
Deficiency of cytochrome-b5 reductase. Also called: METHEMOGLOBINEMIA, CONGENITAL, AUTOSOMAL RECESSIVE; NADH-DEPENDENT METHEMOGLOBIN REDUCTASE DEFICIENCY. Identifiers: Orphanet 621, MedGen C0268193, MONDO:0009606, OMIM 250800.
CYB5R3-related disorder. Also called: CYB5R3-related condition.
Inborn genetic diseases. Identifiers: MedGen C0950123, MeSH D030342.

Allele frequency attached by ClinVar (database versions not stated): TOPMed below 0.00001.

Submissions (5):

Ambry Genetics
Classification: Uncertain significance for Inborn genetic diseases. Last evaluated: 2025-12-15. Review status: criteria provided, single submitter. Criteria: Ambry Variant Classification Scheme 2023. Collection method: clinical testing. Allele origin: germline.

Mayo Clinic Laboratories, Mayo Clinic
Classification: Uncertain significance. Last evaluated: 2025-09-10. Review status: criteria provided, single submitter. Criteria: ACMG Guidelines, 2015. Collection method: clinical testing. Allele origin: germline. Observed: 1 variant allele.
Comment: PP3, PM2_supporting

Labcorp Genetics (formerly Invitae), Labcorp
Classification: Uncertain significance. Last evaluated: 2024-03-22. Review status: criteria provided, single submitter. Criteria: Invitae Variant Classification Sherloc (09022015). Collection method: clinical testing. Allele origin: germline.
Comment: This sequence change replaces glutamic acid, which is acidic and polar, with glutamine, which is neutral and polar, at codon 132 of the CYB5R3 protein (p.Glu132Gln). This variant is not present in population databases (gnomAD no frequency). This variant has not been reported in the literature in individuals affected with CYB5R3-related conditions. ClinVar contains an entry for this variant (Variation ID: 2633152). Advanced modeling of protein sequence and biophysical properties (such as structural, functional, and spatial information, amino acid conservation, physicochemical variation, residue mobility, and thermodynamic stability) performed at Invitae indicates that this missense variant is not expected to disrupt CYB5R3 protein function with a negative predictive value of 80%. In summary, the available evidence is currently insufficient to determine the role of this variant in disease. Therefore, it has been classified as a Variant of Uncertain Significance.

PreventionGenetics, part of Exact Sciences
Classification: Uncertain significance for CYB5R3-related condition. Last evaluated: 2023-04-19. Review status: criteria provided, single submitter. Criteria: ACMG Guidelines, 2015. Collection method: clinical testing. Allele origin: germline.
Comment: The CYB5R3 c.394G>C variant is predicted to result in the amino acid substitution p.Glu132Gln. To our knowledge, this variant has not been reported in the literature or in a large population database, indicating this variant is rare. At this time, the clinical significance of this variant is uncertain due to the absence of conclusive functional and genetic evidence.

Revvity Omics, Revvity
Classification: Uncertain significance for Deficiency of cytochrome-b5 reductase. Last evaluated: 2023-03-07. Review status: criteria provided, single submitter. Criteria: ACMG Guidelines, 2015. Collection method: clinical testing. Allele origin: germline.

NM_000398.7(CYB5R3):c.394G>C (p.Glu132Gln)

Gene: CYB5R3 (cytochrome b5 reductase 3; minus strand). Cytogenetic location: 22q13.2.
Variant type: single nucleotide variant.
Coding change: c.394G>C on transcript NM_000398.7 (MANE Select); coding-DNA position 394, G replaced by C.
Protein change: p.Glu132Gln; replaces glutamic acid 132 with glutamine.
Molecular consequence: missense variant.
Genome position (GRCh38, 1-based): chr22:42,628,221, C>G on the plus strand (G>C on the coding strand, the complement: CYB5R3 is on the minus strand). VCF-style: chr22-42628221-C-G. GRCh37 (hg19) VCF-style: chr22-43024227-C-G.
Other names: p.Glu132Gln; c.394G>C, p.Glu132Gln (NM_001031678.1); c.325G>C, p.Glu109Gln (NM_001129819.2, NM_001171661.1, NM_007326.4); c.493G>C, p.Glu165Gln (NM_001171660.2); short protein forms E109Q, E132Q, E165Q.
Identifiers: ClinVar variation 2633152 (VCV002633152.8), dbSNP rs766031719, ClinGen allele CA411799385.